The following is an entry in ClinVar:

ClinVar aggregate classification (germline): Conflicting classifications of pathogenicity. Review status: criteria provided, conflicting classifications (1 of 4 stars). 2 submissions from 2 submitters: Uncertain significance (1); Likely benign (1). Last evaluated 2025-12-22.

Conditions:
Adams-Oliver syndrome 5 (AOS5). Identifiers: Orphanet 974, MedGen C4014970, MONDO:0014459, OMIM 616028.

gnomAD v4.1: 15 of 1,612,742 alleles (0.00093%); highest among the groups gnomAD compares: Non-Finnish European, 0.0013%; no homozygotes.

Submissions (2):

Labcorp Genetics (formerly Invitae), Labcorp
Classification: Uncertain significance for Adams-Oliver syndrome 5. Last evaluated: 2025-12-22. Review status: criteria provided, single submitter. Criteria: Invitae Variant Classification Sherloc (09022015). Collection method: clinical testing. Allele origin: germline.
Comment: This sequence change falls in intron 5 of the NOTCH1 gene. It does not directly change the encoded amino acid sequence of the NOTCH1 protein. It affects a nucleotide within the consensus splice site. The frequency data for this variant in the population databases is considered unreliable, as metrics indicate poor data quality at this position in the gnomAD database. This variant has not been reported in the literature in individuals affected with NOTCH1-related conditions. ClinVar contains an entry for this variant (Variation ID: 1212455). Variants that disrupt the consensus splice site are a relatively common cause of aberrant splicing (PMID: 17576681, 9536098). Algorithms developed to predict the effect of sequence changes on RNA splicing suggest that this variant is not likely to affect RNA splicing. In summary, the available evidence is currently insufficient to determine the role of this variant in disease. Therefore, it has been classified as a Variant of Uncertain Significance.

GeneDx
Classification: Likely benign. Last evaluated: 2020-12-15. Review status: criteria provided, single submitter. Criteria: GeneDx Variant Classification Process June 2021. Collection method: clinical testing. Allele origin: germline. Affected: yes.

Literature cited by the submitters: PubMed 17576681 (cited by Labcorp Genetics (formerly Invitae), Labcorp); PubMed 9536098 (cited by Labcorp Genetics (formerly Invitae), Labcorp).

NM_017617.5(NOTCH1):c.865+4C>A

Gene: NOTCH1 (notch receptor 1; minus strand). Cytogenetic location: 9q34.3.
Variant type: single nucleotide variant.
Coding change: c.865+4C>A on transcript NM_017617.5 (MANE Select); 4 bases into the intron after coding-DNA position 865, C replaced by A.
Molecular consequence: intron variant.
Genome position (GRCh38, 1-based): chr9:136,519,439, G>T on the plus strand (C>A on the coding strand, the complement: NOTCH1 is on the minus strand). VCF-style: chr9-136519439-G-T. GRCh37 (hg19) VCF-style: chr9-139413891-G-T.
Identifiers: ClinVar variation 1212455 (VCV001212455.4), dbSNP rs527248111, ClinGen allele CA591367550.